The following is an entry in ClinVar:

ClinVar aggregate classification (germline): Uncertain significance (1 of 4 stars; one submission).

Submission:

CeGaT Center for Human Genetics Tuebingen
Classification: Uncertain significance. Last evaluated: 2023-04-01. Review status: criteria provided, single submitter. Criteria: CeGaT Center For Human Genetics Tuebingen Variant Classification Criteria Version 2. Collection method: clinical testing. Allele origin: germline. Affected: yes. Observed: 1 variant allele.
Comment: ACTA2: PM2, PP2, PP3

NM_001613.4(ACTA2):c.586A>T (p.Thr196Ser)

Gene: ACTA2 (actin alpha 2, smooth muscle; minus strand). Cytogenetic location: 10q23.31.
Variant type: single nucleotide variant.
Coding change: c.586A>T on transcript NM_001613.4 (MANE Select); coding-DNA position 586, A replaced by T.
Protein change: p.Thr196Ser; replaces threonine 196 with serine.
Molecular consequence: missense variant.
Genome position (GRCh38, 1-based): chr10:88,941,259, T>A on the plus strand (A>T on the coding strand, the complement: ACTA2 is on the minus strand). VCF-style: chr10-88941259-T-A. GRCh37 (hg19) VCF-style: chr10-90701016-T-A.
Other names: c.586A>T, p.Thr196Ser (NM_001141945.3, NM_001320855.2, NM_001406462.1 and 3 more transcripts); c.475A>T, p.Thr159Ser (NM_001406466.1); c.457A>T, p.Thr153Ser (NM_001406467.1, NM_001406468.1, NM_001406469.1); short protein forms T153S, T159S, T196S.
Identifiers: ClinVar variation 2640667 (VCV002640667.24), dbSNP rs2494537614, ClinGen allele CA377511953.
Genomic context (GRCh38, chr10:88,941,259, plus strand): 5'-CCTCTCCCCCTTATCTCCCACAGGCCTCACCAGTAGTAACGAAGGAATAGCCACGCTCAG[T>A]CAGGATCTTCATGAGGTAGTCAGTGAGATCTCGGCCAGCCAGATCCAGACGCATGATGGC-3'
Protein context (NP_001604.1, residues 186-206): DLTDYLMKIL[Thr196Ser]ERGYSFVTTA